The following is an entry in ClinVar:

ClinVar aggregate classification (germline): Likely benign. Review status: criteria provided, single submitter (1 of 4 stars). 2 submissions from 2 submitters: Likely benign (1). 1 of the submissions does not count toward it. Last evaluated 2022-08-22.

Conditions:
SPRY4-related disorder. Also called: SPRY4-related condition.

Allele frequency attached by ClinVar (database versions not stated): TOPMed 0.00003; ExAC 0.00005; gnomAD exomes 0.00006; ESP Exome Variant Server 0.00008; gnomAD 0.00003.
gnomAD v4.1: 94 of 1,612,846 alleles (0.0058%); highest among the groups gnomAD compares: Non-Finnish European, 0.0075%; no homozygotes.

Submissions (2):

Labcorp Genetics (formerly Invitae), Labcorp
Classification: Likely benign. Last evaluated: 2022-08-22. Review status: criteria provided, single submitter. Criteria: Invitae Variant Classification Sherloc (09022015). Collection method: clinical testing. Allele origin: germline.

PreventionGenetics, part of Exact Sciences
Classification: Likely benign for SPRY4-related condition. Last evaluated: 2019-08-09. Review status: no assertion criteria provided. Collection method: clinical testing. Allele origin: germline. Not counted in ClinVar's aggregate classification.
Comment: This variant is classified as likely benign based on ACMG/AMP sequence variant interpretation guidelines (Richards et al. 2015 PMID: 25741868, with internal and published modifications).

NM_001127496.3(SPRY4):c.183C>T (p.Thr61=)

Gene: SPRY4 (sprouty RTK signaling antagonist 4; minus strand). Cytogenetic location: 5q31.3.
Variant type: single nucleotide variant.
Coding change: c.183C>T on transcript NM_001127496.3 (MANE Select); coding-DNA position 183, C replaced by T.
Protein change: p.Thr61=; no amino-acid change (threonine 61 retained).
Molecular consequence: synonymous variant.
Genome position (GRCh38, 1-based): chr5:142,314,926, G>A on the plus strand (C>T on the coding strand, the complement: SPRY4 is on the minus strand). VCF-style: chr5-142314926-G-A. GRCh37 (hg19) VCF-style: chr5-141694491-G-A.
Other names: c.183C>T, p.Thr61= (NM_001293289.3, NM_001293290.3); c.252C>T, p.Thr84= (NM_030964.5); c.252C>T (NM_030964.3).
Identifiers: ClinVar variation 2182036 (VCV002182036.6), dbSNP rs200416424, ClinGen allele CA3485610.
Genomic context (GRCh38, chr5:142,314,926, plus strand): 5'-ACAGCGGGCGGGCGTCGGGGCCAGCTCTGGGGCCCCGCCCCGGGTCCGCTTTGGGCCGGT[G>A]GTCAGGGCCAGGCTAGGGTTGTCTATGTAGTCATTCTCCACATGGCTGGTCTTCACCTGG-3'
Protein context (NP_001120968.1, residues 51-71): DYIDNPSLAL[Thr61=]TGPKRTRGGA